The following is an entry in ClinVar:

NM_024741.3(ZNF408):c.739A>G (p.Lys247Glu)

Gene: ZNF408 (zinc finger protein 408; plus strand). Cytogenetic location: 11p11.2.
Variant type: single nucleotide variant.
Coding change: c.739A>G on transcript NM_024741.3 (MANE Select); coding-DNA position 739, A replaced by G.
Protein change: p.Lys247Glu; replaces lysine 247 with glutamic acid.
Molecular consequence: missense variant.
Genome position (GRCh38, 1-based): chr11:46,704,439, A>G. VCF-style: chr11-46704439-A-G. GRCh37 (hg19) VCF-style: chr11-46725989-A-G.
Other names: c.715A>G, p.Lys239Glu (NM_001184751.2); short protein forms K239E, K247E.
Identifiers: ClinVar variation 1907826 (VCV001907826.5), dbSNP rs1423389202, ClinGen allele CA380254064.

ClinVar aggregate classification (germline): Uncertain significance (1 of 4 stars; one submission).

Allele frequency attached by ClinVar (database versions not stated): gnomAD 0.00001; gnomAD exomes 0.00001.

Submission:

Labcorp Genetics (formerly Invitae), Labcorp
Classification: Uncertain significance. Last evaluated: 2025-11-16. Review status: criteria provided, single submitter. Criteria: Invitae Variant Classification Sherloc (09022015). Collection method: clinical testing. Allele origin: germline.
Comment: This sequence change replaces lysine, which is basic and polar, with glutamic acid, which is acidic and polar, at codon 247 of the ZNF408 protein (p.Lys247Glu). This variant is present in population databases (no rsID available, gnomAD 0.003%). This variant has not been reported in the literature in individuals affected with ZNF408-related conditions. ClinVar contains an entry for this variant (Variation ID: 1907826). An algorithm developed to predict the effect of missense changes on protein structure and function outputs the following: PolyPhen-2: "Benign". The glutamic acid amino acid residue is found in multiple mammalian species, which suggests that this missense change does not adversely affect protein function. In summary, the available evidence is currently insufficient to determine the role of this variant in disease. Therefore, it has been classified as a Variant of Uncertain Significance.